The following is an entry in ClinVar:

NM_000088.4(COL1A1):c.3815-12G>T

Gene: COL1A1 (collagen type I alpha 1 chain; minus strand). Cytogenetic location: 17q21.33.
Variant type: single nucleotide variant.
Coding change: c.3815-12G>T on transcript NM_000088.4 (MANE Select); 12 bases into the intron before coding-DNA position 3815, G replaced by T.
Molecular consequence: intron variant.
Genome position (GRCh38, 1-based): chr17:50,186,519, C>A on the plus strand (G>T on the coding strand, the complement: COL1A1 is on the minus strand). VCF-style: chr17-50186519-C-A. GRCh37 (hg19) VCF-style: chr17-48263880-C-A.
Identifiers: ClinVar variation 324098 (VCV000324098.16), dbSNP rs201066018, ClinGen allele CA8644332.

ClinVar aggregate classification (germline): Conflicting classifications of pathogenicity. Review status: criteria provided, conflicting classifications (1 of 4 stars). 7 submissions from 5 submitters: Uncertain significance (1); Benign (2); Likely benign (4). Last evaluated 2025-12-30.

Conditions:
Ehlers-Danlos syndrome, arthrochalasia type. Also called: ARTHROCHALASIS MULTIPLEX CONGENITA; EDS VII, MUTANT PROCOLLAGEN TYPE; EDS VIIA; Ehlers-Danlos syndrome, arthrochalasia type, 1; Ehlers-Danlos syndrome, arthrochalasis type. Identifiers: Orphanet 1899, Orphanet 99875, Orphanet 99876, MedGen C4551623, MONDO:0007525, OMIM 130060.
Infantile cortical hyperostosis. Also called: P1PK BLOOD GROUP SYSTEM, P(2) PHENOTYPE; Hyperostosis, Cortical, Congenital; Caffey Disease. Identifiers: Orphanet 1310, MedGen C0020497, MONDO:0007244, OMIM 114000.
Osteogenesis imperfecta (OI). Identifiers: Orphanet 666, MedGen C0029434, MeSH D010013, MONDO:0019019.
Osteogenesis imperfecta type I (OI1). Also called: Classic Non-deforming Osteogenesis Imperfecta with Blue Sclerae; Lobstein disease; OI, TYPE I; OSTEOGENESIS IMPERFECTA TARDA; OSTEOGENESIS IMPERFECTA WITH BLUE SCLERAE; Osteogenesis imperfecta type 1. Identifiers: Orphanet 216796, Orphanet 666, MedGen C0023931, MONDO:0008146, OMIM 166200. Disease mechanism: loss of function.

Allele frequency attached by ClinVar (database versions not stated): TOPMed 0.00011; gnomAD exomes 0.00014; gnomAD 0.00016 and 0.00017; ExAC 0.00018; ESP Exome Variant Server 0.00031.

Submissions (7):

Labcorp Genetics (formerly Invitae), Labcorp
Classification: Likely benign for Osteogenesis imperfecta type I. Last evaluated: 2025-12-30. Review status: criteria provided, single submitter. Criteria: Invitae Variant Classification Sherloc (09022015). Collection method: clinical testing. Allele origin: germline.

Women's Health and Genetics/Laboratory Corporation of America, LabCorp
Classification: Benign. Last evaluated: 2024-09-25. Review status: criteria provided, single submitter. Criteria: LabCorp Variant Classification Summary - May 2015. Collection method: clinical testing. Allele origin: germline.

Blueprint Genetics
Classification: Likely benign. Last evaluated: 2023-06-09. Review status: criteria provided, single submitter. Criteria: ACMG Guidelines, 2015. Collection method: clinical testing. Allele origin: germline.

GeneDx
Classification: Likely benign. Last evaluated: 2019-07-05. Review status: criteria provided, single submitter. Criteria: GeneDx Variant Classification Process June 2021. Collection method: clinical testing. Allele origin: germline. Affected: yes.

Illumina Laboratory Services, Illumina
Classification: Benign for Ehlers-Danlos syndrome, arthrochalasia type. Last evaluated: 2018-01-13. Review status: criteria provided, single submitter. Criteria: ICSL Variant Classification Criteria 13 December 2019. Collection method: clinical testing. Allele origin: germline.
Comment: This variant was observed in the ICSL laboratory as part of a predisposition screen in an ostensibly healthy population. It had not been previously curated by ICSL or reported in the Human Gene Mutation Database (HGMD: prior to June 1st, 2018), and was therefore a candidate for classification through an automated scoring system. Utilizing variant allele frequency, disease prevalence and penetrance estimates, and inheritance mode, an automated score was calculated to assess if this variant is too frequent to cause the disease. Based on the score and internal cut-off values, a variant classified as benign is not then subjected to further curation. The score for this variant resulted in a classification of benign for this disease.

Illumina Laboratory Services, Illumina
Classification: Likely benign for Osteogenesis imperfecta. Last evaluated: 2018-01-13. Review status: criteria provided, single submitter. Criteria: ICSL Variant Classification Criteria 13 December 2019. Collection method: clinical testing. Allele origin: germline.
Comment: This variant was observed in the ICSL laboratory as part of a predisposition screen in an ostensibly healthy population. It had not been previously curated by ICSL or reported in the Human Gene Mutation Database (HGMD: prior to June 1st, 2018), and was therefore a candidate for classification through an automated scoring system. Utilizing variant allele frequency, disease prevalence and penetrance estimates, and inheritance mode, an automated score was calculated to assess if this variant is too frequent to cause the disease. Based on the score and internal cut-off values, a variant classified as likely benign is not then subjected to further curation. The score for this variant resulted in a classification of likely benign for this disease.

Illumina Laboratory Services, Illumina
Classification: Uncertain significance for Infantile cortical hyperostosis. Last evaluated: 2018-01-13. Review status: criteria provided, single submitter. Criteria: ICSL Variant Classification Criteria 13 December 2019. Collection method: clinical testing. Allele origin: germline.